The following is an entry in ClinVar:

ClinVar aggregate classification (germline): Uncertain significance (1 of 4 stars; one submission).

Allele frequency attached by ClinVar (database versions not stated): gnomAD 0.00005; 1000 Genomes Project 0.00020; 1000 Genomes Project 30x 0.00031.
gnomAD v4.1: 9 of 1,612,656 alleles (0.00056%); highest among the groups gnomAD compares: African/African-American, 0.011%; no homozygotes.

Submission:

Labcorp Genetics (formerly Invitae), Labcorp
Classification: Uncertain significance. Last evaluated: 2024-12-16. Review status: criteria provided, single submitter. Criteria: Invitae Variant Classification Sherloc (09022015). Collection method: clinical testing. Allele origin: germline.
Comment: This sequence change replaces glycine, which is neutral and non-polar, with arginine, which is basic and polar, at codon 1394 of the C3 protein (p.Gly1394Arg). This variant is present in population databases (rs200597513, gnomAD 0.007%). This variant has not been reported in the literature in individuals affected with C3-related conditions. ClinVar contains an entry for this variant (Variation ID: 2414219). Invitae Evidence Modeling of protein sequence and biophysical properties (such as structural, functional, and spatial information, amino acid conservation, physicochemical variation, residue mobility, and thermodynamic stability) indicates that this missense variant is not expected to disrupt C3 protein function with a negative predictive value of 80%. In summary, the available evidence is currently insufficient to determine the role of this variant in disease. Therefore, it has been classified as a Variant of Uncertain Significance.

NM_000064.4(C3):c.4180G>A (p.Gly1394Arg)

Gene: C3 (complement C3; minus strand). Cytogenetic location: 19p13.3.
Variant type: single nucleotide variant.
Coding change: c.4180G>A on transcript NM_000064.4 (MANE Select); coding-DNA position 4180, G replaced by A.
Protein change: p.Gly1394Arg; replaces glycine 1394 with arginine.
Molecular consequence: missense variant.
Genome position (GRCh38, 1-based): chr19:6,682,222, C>T on the plus strand (G>A on the coding strand, the complement: C3 is on the minus strand). VCF-style: chr19-6682222-C-T. GRCh37 (hg19) VCF-style: chr19-6682233-C-T.
Other names: short protein forms G1394R.
Identifiers: ClinVar variation 2414219 (VCV002414219.6), dbSNP rs200597513, ClinGen allele CA9128478.